The following is an entry in ClinVar:

ClinVar aggregate classification (germline): Pathogenic. Review status: criteria provided, multiple submitters, no conflicts (2 of 4 stars). 2 submissions from 2 submitters: Pathogenic (2). Last evaluated 2023-09-15.

Conditions:
Spastic paraplegia. Identifiers: MedGen C0037772, HP:0001258.
Hereditary spastic paraplegia 15 (SPG15). Also called: SPASTIC PARAPLEGIA AND RETINAL DEGENERATION; KJELLIN SYNDROME; SPASTIC PARAPLEGIA 15, AUTOSOMAL RECESSIVE. Identifiers: Orphanet 100996, MedGen C1849128, MONDO:0010044, OMIM 270700.

Submissions (2):

Labcorp Genetics (formerly Invitae), Labcorp
Classification: Pathogenic for Spastic paraplegia. Last evaluated: 2023-09-15. Review status: criteria provided, single submitter. Criteria: Invitae Variant Classification Sherloc (09022015). Collection method: clinical testing. Allele origin: germline.
Comment: This variant has not been reported in the literature in individuals affected with ZFYVE26-related conditions. ClinVar contains an entry for this variant (Variation ID: 1074144). For these reasons, this variant has been classified as Pathogenic. This variant is present in population databases (no rsID available, gnomAD 0.002%). This sequence change creates a premature translational stop signal (p.Glu706*) in the ZFYVE26 gene. It is expected to result in an absent or disrupted protein product. Loss-of-function variants in ZFYVE26 are known to be pathogenic (PMID: 18394578, 19805727).

3billion
Classification: Pathogenic for Hereditary spastic paraplegia 15. Last evaluated: 2023-02-23. Review status: criteria provided, single submitter. Criteria: ACMG Guidelines, 2015. Collection method: clinical testing. Allele origin: unknown. Affected: yes.
Comment: The variant is observed at an extremely low frequency in the gnomAD v2.1.1 dataset (total allele frequency: <0.001%). This variant was predicted to result in a loss or disruption of normal protein function through nonsense-mediated decay (NMD) or protein truncation. Multiple pathogenic variants are reported downstream of the variant. The variant has been reported to be associated with ZFYVE26 related disorder (ClinVar ID: VCV001074144). Therefore, this variant is classified as Pathogenic according to the recommendation of ACMG/AMP guideline.

Literature cited by the submitters: PubMed 18394578 (cited by Labcorp Genetics (formerly Invitae), Labcorp); PubMed 19805727 (cited by Labcorp Genetics (formerly Invitae), Labcorp).

NM_015346.4(ZFYVE26):c.2114dup (p.Pro705_Glu706insTer)

Gene: ZFYVE26 (zinc finger FYVE-type containing 26; minus strand). Cytogenetic location: 14q24.1.
Variant type: Duplication.
Coding change: c.2114dup on transcript NM_015346.4 (MANE Select); coding-DNA position 2114, one base duplicated (C; older notation c.2114dupC).
Protein change: p.Pro705_Glu706insTer.
Molecular consequence: frameshift variant.
Genome position (GRCh38, 1-based): chr14:67,798,148, G duplicated on the plus strand (C on the coding strand, the reverse complement: ZFYVE26 is on the minus strand); the first of 2 consecutive G bases (chr14:67,798,148-67,798,149); duplicating either gives the same sequence. VCF-style (leftmost placement, unchanged base first): chr14-67798147-A-AG. GRCh37 (hg19) VCF-style: chr14-68264864-A-AG.
Identifiers: ClinVar variation 1074144 (VCV001074144.7), dbSNP rs1279863038, ClinGen allele CA615188479.